The following is an entry in ClinVar:

ClinVar aggregate classification (germline): Pathogenic. Review status: criteria provided, multiple submitters, no conflicts (2 of 4 stars). 5 submissions from 5 submitters: Pathogenic (5). Last evaluated 2026-09-08.

Conditions:
Fabry disease. Also called: Fabry's disease; ALPHA-GALACTOSIDASE A DEFICIENCY; GLA DEFICIENCY; HEREDITARY DYSTOPIC LIPIDOSIS; Angiokeratoma corporis diffusum; Ceramide trihexosidosis. Identifiers: Orphanet 324, MedGen C0002986, MONDO:0010526, OMIM 301500, HP:0001071. Disease mechanism: loss of function, Fabry disease is due to inactivating mutations in the X-linked GLA gene resulting in deficiency of the enzyme Alpha Galactosidase-A..

Submissions (5):

Genomenon, Inc
Classification: Pathogenic for Fabry disease. Last evaluated: 2026-09-08. Review status: criteria provided, single submitter. Criteria: Genomenon Sequence Variant Interpretation Standards - Updated. Collection method: curation. Allele origin: germline. Affected: yes.
Comment: GLA p.Tyr397MetfsTer7 (c.1188del) is a frameshift variant that is predicted to introduce a premature termination codon and result in a truncated or absent protein product. This variant has been observed in at least one proband with clinical features consistent with Fabry disease (PMID:10666480;19158572). Functional or patient cell studies have been reported (PMID:10666480). It is absent or not present at a significant frequency in gnomAD. In conclusion, we classify GLA p.Tyr397MetfsTer7 (c.1188del) as a pathogenic variant.

Revvity Omics, Revvity
Classification: Pathogenic. Last evaluated: 2023-01-06. Review status: criteria provided, single submitter. Criteria: ACMG Guidelines, 2015. Collection method: clinical testing. Allele origin: germline.

Genome-Nilou Lab
Classification: Pathogenic for Fabry disease. Last evaluated: 2021-07-15. Review status: criteria provided, single submitter. Criteria: ACMG Guidelines, 2015. Collection method: clinical testing. Allele origin: germline. Affected: no.

Labcorp Genetics (formerly Invitae), Labcorp
Classification: Pathogenic for Fabry disease. Last evaluated: 2020-08-04. Review status: criteria provided, single submitter. Criteria: Invitae Variant Classification Sherloc (09022015). Collection method: clinical testing. Allele origin: germline.
Comment: This variant is not present in population databases (ExAC no frequency). This sequence change results in a premature translational stop signal in the GLA gene (p.Tyr397Metfs*7). While this is not anticipated to result in nonsense mediated decay, it is expected to disrupt the last 34 amino acids of the GLA protein. This variant has been observed in an individual with Fabry disease (PMID: 10666480). ClinVar contains an entry for this variant (Variation ID: 245806). This variant disrupts the p.Pro409 amino acid residue in GLA. Other variant(s) that disrupt this residue have been determined to be pathogenic (PMID: 28768754, 31392112, 12428061, Invitae). This suggests that this residue is clinically significant, and that variants that disrupt this residue are likely to be disease-causing. For these reasons, this variant has been classified as Pathogenic.

GeneDx
Classification: Pathogenic. Last evaluated: 2015-06-30. Review status: criteria provided, single submitter. Criteria: GeneDx Variant Classification (06012015). Collection method: clinical testing. Allele origin: germline. Affected: yes.
Comment: The c.1188delC pathogenic variant in the GLA gene has been reported previously in association with Fabry disease (Topaloglu et al., 1999). The c.1188delC variant causes a frameshift starting with codon Tyrosine 397, changes this amino acid to a Methionine residue, and creates a premature Stop codon at position 7 of the new reading frame, denoted p.Tyr397MetfsX7. This frameshift mutation replaces the typical last 33 amino acid residues in the GLA encoded protein with 6 incorrect amino acid residues resulting in a truncated protein with a possible altered function. The c.1188delC variant was not observed in approximately 6500 individuals of European and African American ancestry in the NHLBI Exome Sequencing Project, indicating it is not a common benign variant in these populations. We interpret c.1188delC as a disease-causing variant

Literature cited by the submitters: PubMed 10666480 (cited by Genomenon, Inc and Labcorp Genetics (formerly Invitae), Labcorp); PubMed 19158572 (cited by Genomenon, Inc); PubMed 28768754 (cited by Labcorp Genetics (formerly Invitae), Labcorp); PubMed 31392112 (cited by Labcorp Genetics (formerly Invitae), Labcorp); PubMed 12428061 (cited by Labcorp Genetics (formerly Invitae), Labcorp).

NM_000169.3(GLA):c.1188del (p.Tyr397fs)

Genes: GLA (galactosidase alpha; minus strand), RPL36A-HNRNPH2 (RPL36A-HNRNPH2 readthrough; plus strand). Cytogenetic location: Xq22.1.
Variant type: Deletion.
Coding change: c.1188del on transcript NM_000169.3 (MANE Select); coding-DNA position 1188, one base deleted (C; older notation c.1188delC).
Protein change: p.Tyr397fs; shifts the reading frame from tyrosine 397.
Molecular consequence: frameshift variant. On other transcripts: non-coding transcript variant (3), intron variant (2).
Genome position (GRCh38, 1-based): chrX:101,397,911, G deleted on the plus strand (C on the coding strand, the reverse complement: GLA is on the minus strand). VCF-style (leftmost placement, unchanged base first): chrX-101397910-AG-A. GRCh37 (hg19) VCF-style: chrX-100652898-AG-A.
Other names: c.1188del (NM_000169.2); c.1311del, p.Tyr438fs (NM_001406747.1); c.300+2454del (NM_001199973.2); c.177+6089del (NM_001199974.2); short protein forms Y397fs, Y438fs.
Identifiers: ClinVar variation 245806 (VCV000245806.18), dbSNP rs879253955, ClinGen allele CA10584625.